The following is an entry in ClinVar:

ClinVar aggregate classification (germline): Uncertain significance (1 of 4 stars; one submission).

Submission:

GeneDx
Classification: Uncertain significance. Last evaluated: 2024-09-23. Review status: criteria provided, single submitter. Criteria: GeneDx Variant Classification Process June 2021. Collection method: clinical testing. Allele origin: germline. Affected: yes.
Comment: Not observed at significant frequency in large population cohorts (gnomAD); In silico analysis supports that this missense variant has a deleterious effect on protein structure/function; Has not been previously published as pathogenic or benign to our knowledge

NM_001256627.2(BRSK2):c.194G>T (p.Arg65Leu)

Gene: BRSK2 (BR serine/threonine kinase 2; plus strand). Cytogenetic location: 11p15.5.
Variant type: single nucleotide variant.
Coding change: c.194G>T on transcript NM_001256627.2 (MANE Select); coding-DNA position 194, G replaced by T.
Protein change: p.Arg65Leu; replaces arginine 65 with leucine.
Molecular consequence: missense variant. On other transcripts: non-coding transcript variant (1).
Genome position (GRCh38, 1-based): chr11:1,438,313, G>T. VCF-style: chr11-1438313-G-T. GRCh37 (hg19) VCF-style: chr11-1459543-G-T.
Other names: c.194G>T, p.Arg65Leu (NM_001256629.2, NM_003957.4); c.332G>T, p.Arg111Leu (NM_001256630.1); c.14G>T, p.Arg5Leu (NM_001282218.2); short protein forms R111L, R5L, R65L.
Identifiers: ClinVar variation 3774300 (VCV003774300.1).